The following is an entry in ClinVar:

NM_018139.3(DNAAF2):c.1069C>G (p.Pro357Ala)

Gene: DNAAF2 (dynein axonemal assembly factor 2; minus strand). Cytogenetic location: 14q21.3.
Variant type: single nucleotide variant.
Coding change: c.1069C>G on transcript NM_018139.3 (MANE Select); coding-DNA position 1069, C replaced by G.
Protein change: p.Pro357Ala; replaces proline 357 with alanine.
Molecular consequence: missense variant.
Genome position (GRCh38, 1-based): chr14:49,634,081, G>C on the plus strand (C>G on the coding strand, the complement: DNAAF2 is on the minus strand). VCF-style: chr14-49634081-G-C. GRCh37 (hg19) VCF-style: chr14-50100799-G-C.
Other names: c.1069C>G, p.Pro357Ala (NM_001083908.2); short protein forms P357A.
Identifiers: ClinVar variation 454896 (VCV000454896.6), dbSNP rs1382686393, ClinGen allele CA389629613.
Genomic context (GRCh38, chr14:49,634,081, plus strand): 5'-CGTCAGTTCCGGACCGGTCCGCGGACTCTTCCGGCGCGGCGGCGGCGACGGCGACAGCGG[G>C]CTCCCGGCGCGCGGCCGGCAGCACCACTGGCAGCGTAACCACCAGCTGCCGCCGGGCCTT-3'
Protein context (NP_060609.2, residues 347-367): PVVLPAARRE[Pro357Ala]AVAVAAAAPE

ClinVar aggregate classification (germline): Uncertain significance. Review status: criteria provided, multiple submitters, no conflicts (2 of 4 stars). 2 submissions from 2 submitters: Uncertain significance (2). Last evaluated 2025-10-24.

Conditions:
Primary ciliary dyskinesia. Also called: Ciliary dyskinesia. Identifiers: Orphanet 244, MedGen C0008780, MONDO:0016575, HP:0012265.

Allele frequency attached by ClinVar (database versions not stated): gnomAD 0.00001; TOPMed 0.00002.

Submissions (2):

Ambry Genetics
Classification: Uncertain significance for Primary ciliary dyskinesia. Last evaluated: 2025-10-24. Review status: criteria provided, single submitter. Criteria: Ambry Variant Classification Scheme 2023. Collection method: clinical testing. Allele origin: germline.

Labcorp Genetics (formerly Invitae), Labcorp
Classification: Uncertain significance for Primary ciliary dyskinesia. Last evaluated: 2021-08-26. Review status: criteria provided, single submitter. Criteria: Invitae Variant Classification Sherloc (09022015). Collection method: clinical testing. Allele origin: germline.
Comment: This sequence change replaces proline with alanine at codon 357 of the DNAAF2 protein (p.Pro357Ala). The proline residue is weakly conserved and there is a small physicochemical difference between proline and alanine. The frequency data for this variant in the population databases is considered unreliable, as metrics indicate insufficient coverage at this position in the ExAC database. This variant has not been reported in the literature in individuals affected with DNAAF2-related conditions. Algorithms developed to predict the effect of missense changes on protein structure and function (SIFT, PolyPhen-2, Align-GVGD) all suggest that this variant is likely to be tolerated. In summary, the available evidence is currently insufficient to determine the role of this variant in disease. Therefore, it has been classified as a Variant of Uncertain Significance.